The following is an entry in ClinVar:

ClinVar aggregate classification (germline): Conflicting classifications of pathogenicity. Review status: criteria provided, conflicting classifications (1 of 4 stars). 2 submissions from 2 submitters: Uncertain significance (1); Likely benign (1). Last evaluated 2025-10-01.

Submissions (2):

CeGaT Center for Human Genetics Tuebingen
Classification: Likely benign. Last evaluated: 2025-10-01. Review status: criteria provided, single submitter. Criteria: CeGaT Center For Human Genetics Tuebingen Variant Classification Criteria Version 2. Collection method: clinical testing. Allele origin: germline. Affected: yes. Observed: 1 variant allele.
Comment: ZMYND8: PM4, BS1

GeneDx
Classification: Uncertain significance. Last evaluated: 2025-07-09. Review status: criteria provided, single submitter. Criteria: GeneDx Variant Classification Process June 2021. Collection method: clinical testing. Allele origin: germline. Affected: yes.
Comment: In-frame duplication of 2 amino acid(s) in a non-repeat region; Reported using an alternate transcript of the gene; Has not been previously published as pathogenic or benign to our knowledge

NM_001281775.3(ZMYND8):c.2424GGCCCC[3] (p.Ala813_Ala814insProAla)

Gene: ZMYND8 (zinc finger MYND-type containing 8; minus strand). Cytogenetic location: 20q13.12.
Variant type: Microsatellite.
Coding change: c.2424GGCCCC[3] on transcript NM_001281775.3 (MANE Select); three copies in a row of the 6-base unit GGCCCC starting at c.2424; the reference has two copies in a row; one copy, 6 bases duplicated.
Protein change: p.Ala813_Ala814insProAla.
Molecular consequence: inframe insertion. On other transcripts: intron variant (2).
Genome position (GRCh38, 1-based): chr20:47,238,988-47,238,993, GGGGCC duplicated on the plus strand (GGCCCC on the coding strand, the reverse complement: ZMYND8 is on the minus strand); duplicating any 6 consecutive bases within chr20:47,238,988-47,239,000 gives the same sequence; the position shown is the placement nearest the transcript's 3' end. VCF-style (leftmost placement, unchanged base first): chr20-47238987-G-GGGGGCC. GRCh37 (hg19) VCF-style: chr20-45867731-G-GGGGGCC.
Other names: c.2364GGCCCC[3], p.Ala793_Ala794insProAla (NM_001281772.3, NM_001281773.3, NM_001281774.3 and 1 more transcripts); c.2349GGCCCC[3], p.Ala788_Ala789insProAla (NM_001281777.3, NM_001281778.3, NM_001281782.3 and 1 more transcripts); c.1620GGCCCC[3], p.Ala545_Ala546insProAla (NM_001281779.3, NM_001281780.3); c.2208GGCCCC[3], p.Ala741_Ala742insProAla (NM_001281781.3, NM_001281784.3); c.2424GGCCCC[3], p.Ala813_Ala814insProAla (NM_001281783.3, NM_012408.6, NM_183047.4); c.2445GGCCCC[3], p.Ala820_Ala821insProAla (NM_001363714.1); c.2210-2483GGCCCC[3] (NM_001281771.3); c.2285-2483GGCCCC[3] (NM_001281776.3).
Identifiers: ClinVar variation 4533924 (VCV004533924.7).